The following is an entry in ClinVar:

ClinVar aggregate classification (germline): Likely pathogenic (1 of 4 stars; one submission).

Conditions:
Spermatogenic failure 19. Identifiers: MedGen C4539818, MONDO:0054723, OMIM 617592.

Submission:

Equipe Genetique des Anomalies du Developpement, Université de Bourgogne
Classification: Likely pathogenic for Spermatogenic failure 19. Last evaluated: 2024-12-18. Review status: criteria provided, single submitter. Criteria: ACMG Guidelines, 2015. Collection method: clinical testing. Allele origin: germline. Affected: yes.
Comment: This is a nonsense variant chr10:g.104167671C>A NM_025145.7:c.2758G>T p.(Glu920Ter) present in a homozygous state in the gene CFAP43. This variant is absent from gnomAD (v4.1.0) and is not previously reported in ClinVar. It has not been reported in literature. Pathogenic biallelic variants in the gene CFAP43 are responsible for an autosomal recessive form of spermatogenic failure, type 19 (OMIM #617592). According to available evidence, this variant is considered to be likely pathogenic.

NM_025145.7(CFAP43):c.2758G>T (p.Glu920Ter)

Gene: CFAP43 (cilia and flagella associated protein 43; minus strand). Cytogenetic location: 10q25.1.
Variant type: single nucleotide variant.
Coding change: c.2758G>T on transcript NM_025145.7 (MANE Select); coding-DNA position 2758, G replaced by T.
Protein change: p.Glu920Ter; replaces glutamic acid 920 with a stop codon.
Molecular consequence: nonsense.
Genome position (GRCh38, 1-based): chr10:104,167,671, C>A on the plus strand (G>T on the coding strand, the complement: CFAP43 is on the minus strand). VCF-style: chr10-104167671-C-A. GRCh37 (hg19) VCF-style: chr10-105927429-C-A.
Other names: short protein forms E920*.
Identifiers: ClinVar variation 3893189 (VCV003893189.1).